The following is an entry in ClinVar:

ClinVar aggregate classification (germline): Conflicting classifications of pathogenicity. Review status: criteria provided, conflicting classifications (1 of 4 stars). 3 submissions from 3 submitters: Uncertain significance (1); Benign (1); Likely benign (1). Last evaluated 2025-08-20.

Conditions:
Pitt-Hopkins-like syndrome 2 (PTHSL2). Identifiers: Orphanet 221150, Orphanet 600663, MedGen C3280479, MONDO:0013690, OMIM 614325.

Allele frequency attached by ClinVar (database versions not stated): ExAC 0.00002; gnomAD 0.00003; gnomAD exomes 0.00003 and 0.00004; TOPMed 0.00003.
gnomAD v4.1: 63 of 1,612,974 alleles (0.0039%); highest among the groups gnomAD compares: East Asian, 0.013%; no homozygotes.

Submissions (3):

Labcorp Genetics (formerly Invitae), Labcorp
Classification: Likely benign for Pitt-Hopkins-like syndrome 2. Last evaluated: 2025-08-20. Review status: criteria provided, single submitter. Criteria: Invitae Variant Classification Sherloc (09022015). Collection method: clinical testing. Allele origin: germline.

Eurofins Ntd Llc (ga)
Classification: Uncertain significance. Last evaluated: 2015-03-03. Review status: criteria provided, single submitter. Criteria: EGL Classification Definitions 2015. Collection method: clinical testing. Allele origin: germline. Observed: 1 variant allele, 1 heterozygote.

GeneDx
Classification: Benign. Last evaluated: 2014-06-16. Review status: criteria provided, single submitter. Criteria: GeneDx Variant Classification (06012015). Collection method: clinical testing. Allele origin: germline. Affected: yes.
Comment: This variant is considered likely benign or benign based on one or more of the following criteria: it is a conservative change, it occurs at a poorly conserved position in the protein, it is predicted to be benign by multiple in silico algorithms, and/or has population frequency not consistent with disease.

NM_001330078.2(NRXN1):c.882C>T (p.Tyr294=)

Gene: NRXN1 (neurexin 1; minus strand). Cytogenetic location: 2p16.3.
Variant type: single nucleotide variant.
Coding change: c.882C>T on transcript NM_001330078.2 (MANE Select); coding-DNA position 882, C replaced by T.
Protein change: p.Tyr294=; no amino-acid change (tyrosine 294 retained).
Molecular consequence: synonymous variant.
Genome position (GRCh38, 1-based): chr2:50,623,566, G>A on the plus strand (C>T on the coding strand, the complement: NRXN1 is on the minus strand). VCF-style: chr2-50623566-G-A. GRCh37 (hg19) VCF-style: chr2-50850704-G-A.
Other names: p.Y327Y:TAC>TAT; c.981C>T, p.Tyr327= (NM_001135659.3); c.882C>T, p.Tyr294= (NM_001330077.2, NM_001330082.2, NM_001330085.2 and 3 more transcripts); c.822C>T, p.Tyr274= (NM_001330083.2, NM_001330084.2, NM_001330087.2 and 1 more transcripts); c.852C>T, p.Tyr284= (NM_001330088.2); c.879C>T, p.Tyr293= (NM_001330093.2); c.870C>T, p.Tyr290= (NM_001330094.2).
Identifiers: ClinVar variation 198459 (VCV000198459.15), dbSNP rs200464704, ClinGen allele CA247123.
Genomic context (GRCh38, chr2:50,623,566, plus strand): 5'-GGTTTTAAATGACAGAGTTATTTCATCACTGCTGCTTTGAATGGGGTTTTGAGACAAGTC[G>A]TAGCAGAAGTATTCAGATCCTTTGAACGTGGCAATATATTCTTCTTTTCCTAGAGGAAAA-3'
Protein context (NP_001317007.1, residues 284-304): ATFKGSEYFC[Tyr294=]DLSQNPIQSS